The following is an entry in ClinVar:

ClinVar aggregate classification (germline): Likely benign. Review status: criteria provided, single submitter (1 of 4 stars). 2 submissions from 2 submitters: Likely benign (1). 1 of the submissions does not count toward it. Last evaluated 2025-12-04.

Conditions:
TBXAS1-related disorder. Also called: TBXAS1-related condition.

Allele frequency attached by ClinVar (database versions not stated): gnomAD exomes 0.00006 and 0.00011; gnomAD 0.00007; TOPMed 0.00009; ExAC 0.00011; ESP Exome Variant Server 0.00023.
gnomAD v4.1: 98 of 1,613,428 alleles (0.0061%); highest among the groups gnomAD compares: Middle Eastern, 0.016%; no homozygotes.

Submissions (2):

Labcorp Genetics (formerly Invitae), Labcorp
Classification: Likely benign. Last evaluated: 2025-12-04. Review status: criteria provided, single submitter. Criteria: Invitae Variant Classification Sherloc (09022015). Collection method: clinical testing. Allele origin: germline.

PreventionGenetics, part of Exact Sciences
Classification: Likely benign for TBXAS1-related condition. Last evaluated: 2023-05-27. Review status: no assertion criteria provided. Collection method: clinical testing. Allele origin: germline. Not counted in ClinVar's aggregate classification.
Comment: This variant is classified as likely benign based on ACMG/AMP sequence variant interpretation guidelines (Richards et al. 2015 PMID: 25741868, with internal and published modifications).

NM_001061.7(TBXAS1):c.1269G>A (p.Gln423=)

Gene: TBXAS1 (thromboxane A synthase 1; plus strand). Cytogenetic location: 7q34.
Variant type: single nucleotide variant.
Coding change: c.1269G>A on transcript NM_001061.7 (MANE Select); coding-DNA position 1269, G replaced by A.
Protein change: p.Gln423=; no amino-acid change (glutamine 423 retained).
Molecular consequence: synonymous variant.
Genome position (GRCh38, 1-based): chr7:140,015,765, G>A. VCF-style: chr7-140015765-G-A. GRCh37 (hg19) VCF-style: chr7-139715565-G-A.
Other names: c.1269G>A, p.Gln423= (NM_001130966.5, NM_030984.6); c.1407G>A, p.Gln469= (NM_001166253.4); c.1068G>A, p.Gln356= (NM_001166254.4); c.1212G>A, p.Gln404= (NM_001314028.4); c.1086G>A, p.Gln362= (NM_001366537.3); c.1272G>A (NM_001061.4).
Identifiers: ClinVar variation 1613991 (VCV001613991.10), dbSNP rs202122899, ClinGen allele CA4511967.